The following is an entry in ClinVar:

ClinVar aggregate classification (germline): Uncertain significance. Review status: criteria provided, multiple submitters, no conflicts (2 of 4 stars). 2 submissions from 2 submitters: Uncertain significance (2). Last evaluated 2025-08-14.

Conditions:
PLXNA2-related disorder. Also called: PLXNA2-related condition.

Allele frequency attached by ClinVar (database versions not stated): gnomAD exomes 0.00001; ExAC 0.00002; gnomAD 0.00005; TOPMed 0.00006; ESP Exome Variant Server 0.00008.
gnomAD v4.1: 29 of 1,613,094 alleles (0.0018%); highest among the groups gnomAD compares: African/African-American, 0.011%; no homozygotes.

Submissions (2):

Ambry Genetics
Classification: Uncertain significance. Last evaluated: 2025-08-14. Review status: criteria provided, single submitter. Criteria: Ambry Variant Classification Scheme 2023. Collection method: clinical testing. Allele origin: germline.

PreventionGenetics, part of Exact Sciences
Classification: Uncertain significance for PLXNA2-related condition. Last evaluated: 2025-02-09. Review status: criteria provided, single submitter. Criteria: ACMG Guidelines, 2015. Collection method: clinical testing. Allele origin: germline.
Comment: The PLXNA2 c.1411G>A variant is predicted to result in the amino acid substitution p.Glu471Lys. To our knowledge, this variant has not been reported in the literature. This variant is reported in 0.020% of alleles in individuals of African descent in gnomAD. At this time, the clinical significance of this variant is uncertain due to the absence of conclusive functional and genetic evidence.

NM_025179.4(PLXNA2):c.1411G>A (p.Glu471Lys)

Gene: PLXNA2 (plexin A2; minus strand). Cytogenetic location: 1q32.2.
Variant type: single nucleotide variant.
Coding change: c.1411G>A on transcript NM_025179.4 (MANE Select); coding-DNA position 1411, G replaced by A.
Protein change: p.Glu471Lys; replaces glutamic acid 471 with lysine.
Molecular consequence: missense variant.
Genome position (GRCh38, 1-based): chr1:208,142,424, C>T on the plus strand (G>A on the coding strand, the complement: PLXNA2 is on the minus strand). VCF-style: chr1-208142424-C-T. GRCh37 (hg19) VCF-style: chr1-208315769-C-T.
Other names: short protein forms E471K.
Identifiers: ClinVar variation 2629541 (VCV002629541.4), dbSNP rs147945367, ClinGen allele CA1373855.